The following is an entry in ClinVar:

ClinVar aggregate classification (germline): Uncertain significance (1 of 4 stars; one submission).

Conditions:
Congenital myasthenic syndrome 8. Also called: Myasthenic syndrome, congenital, 8, with pre- and postsynaptic defects; MYASTHENIC SYNDROME, CONGENITAL, DUE TO AGRIN DEFICIENCY. Identifiers: Orphanet 590, MedGen C3808739, MONDO:0014052, OMIM 615120.

Allele frequency attached by ClinVar (database versions not stated): gnomAD exomes below 0.00001.
gnomAD v4.1: 1 of 1,611,564 alleles (0.000062%); highest among the groups gnomAD compares: Non-Finnish European, 0.000085%; no homozygotes.

Submission:

Labcorp Genetics (formerly Invitae), Labcorp
Classification: Uncertain significance for Congenital myasthenic syndrome 8. Last evaluated: 2022-11-22. Review status: criteria provided, single submitter. Criteria: Invitae Variant Classification Sherloc (09022015). Collection method: clinical testing. Allele origin: germline.
Comment: This sequence change replaces alanine, which is neutral and non-polar, with serine, which is neutral and polar, at codon 787 of the AGRN protein (p.Ala787Ser). In summary, the available evidence is currently insufficient to determine the role of this variant in disease. Therefore, it has been classified as a Variant of Uncertain Significance. Algorithms developed to predict the effect of missense changes on protein structure and function (SIFT, PolyPhen-2, Align-GVGD) all suggest that this variant is likely to be tolerated. ClinVar contains an entry for this variant (Variation ID: 1477125). This variant has not been reported in the literature in individuals affected with AGRN-related conditions. This variant is not present in population databases (gnomAD no frequency).

NM_198576.4(AGRN):c.2359G>T (p.Ala787Ser)

Gene: AGRN (agrin; plus strand). Cytogenetic location: 1p36.33.
Variant type: single nucleotide variant.
Coding change: c.2359G>T on transcript NM_198576.4 (MANE Select); coding-DNA position 2359, G replaced by T.
Protein change: p.Ala787Ser; replaces alanine 787 with serine.
Molecular consequence: missense variant.
Genome position (GRCh38, 1-based): chr1:1,045,265, G>T. VCF-style: chr1-1045265-G-T. GRCh37 (hg19) VCF-style: chr1-980645-G-T.
Other names: c.2359G>T, p.Ala787Ser (NM_001305275.2); c.2044G>T, p.Ala682Ser (NM_001364727.2); short protein forms A787S, A682S.
Identifiers: ClinVar variation 1477125 (VCV001477125.6), dbSNP rs1645058185, ClinGen allele CA337838841.
Genomic context (GRCh38, chr1:1,045,265, plus strand): 5'-GCCCAGACGCCCTACGGCTGCTGCCAGGACAATATCACCGCAGCCCGGGGCGTGGGCCTG[G>T]CTGGCTGCCCCAGTGAGTACCTGAGCTCAGCCCCGACCCCGGGCCTGGTGCGGCTGTGCG-3'
Protein context (NP_940978.2, residues 777-797): NITAARGVGL[Ala787Ser]GCPSACQCNP